The following is an entry in ClinVar:

NM_002471.4(MYH6):c.3701C>T (p.Thr1234Ile)

Gene: MYH6 (myosin heavy chain 6; minus strand). Cytogenetic location: 14q11.2.
Variant type: single nucleotide variant.
Coding change: c.3701C>T on transcript NM_002471.4 (MANE Select); coding-DNA position 3701, C replaced by T.
Protein change: p.Thr1234Ile; replaces threonine 1234 with isoleucine.
Molecular consequence: missense variant.
Genome position (GRCh38, 1-based): chr14:23,390,088, G>A on the plus strand (C>T on the coding strand, the complement: MYH6 is on the minus strand). VCF-style: chr14-23390088-G-A. GRCh37 (hg19) VCF-style: chr14-23859297-G-A.
Other names: short protein forms T1234I.
Identifiers: ClinVar variation 2102251 (VCV002102251.4), dbSNP rs750141267, ClinGen allele CA7115105.

ClinVar aggregate classification (germline): Uncertain significance (1 of 4 stars; one submission).

Conditions:
Hypertrophic cardiomyopathy 14. Identifiers: MedGen C2750467, MONDO:0013197, OMIM 613251.

Allele frequency attached by ClinVar (database versions not stated): TOPMed below 0.00001; ExAC 0.00001.

Submission:

Labcorp Genetics (formerly Invitae), Labcorp
Classification: Uncertain significance for Hypertrophic cardiomyopathy 14. Last evaluated: 2022-02-22. Review status: criteria provided, single submitter. Criteria: Invitae Variant Classification Sherloc (09022015). Collection method: clinical testing. Allele origin: germline.
Comment: In summary, the available evidence is currently insufficient to determine the role of this variant in disease. Therefore, it has been classified as a Variant of Uncertain Significance. Algorithms developed to predict the effect of missense changes on protein structure and function are either unavailable or do not agree on the potential impact of this missense change (SIFT: "Deleterious"; PolyPhen-2: "Benign"; Align-GVGD: "Class C0"). This variant has not been reported in the literature in individuals affected with MYH6-related conditions. This variant is not present in population databases (gnomAD no frequency). This sequence change replaces threonine, which is neutral and polar, with isoleucine, which is neutral and non-polar, at codon 1234 of the MYH6 protein (p.Thr1234Ile).